The following is an entry in ClinVar:

NM_033305.3(VPS13A):c.1115del (p.Lys372fs)

Gene: VPS13A (vacuolar protein sorting 13 homolog A; plus strand). Cytogenetic location: 9q21.2.
Variant type: Deletion.
Coding change: c.1115del on transcript NM_033305.3 (MANE Select); coding-DNA position 1115, one base deleted (A; older notation c.1115delA).
Protein change: p.Lys372fs; shifts the reading frame from lysine 372.
Molecular consequence: frameshift variant.
Genome position (GRCh38, 1-based): chr9:77,221,310, A deleted; the last of 8 consecutive A bases (chr9:77,221,303-77,221,310); deleting any one gives the same sequence. VCF-style (leftmost placement, unchanged base first): chr9-77221302-TA-T. GRCh37 (hg19) VCF-style: chr9-79836218-TA-T.
Other names: c.1115del, p.Lys372fs (NM_001018037.2, NM_001018038.3, NM_015186.4); short protein forms K372fs.
Identifiers: ClinVar variation 2136779 (VCV002136779.6), dbSNP rs770350986, ClinGen allele CA5091581.

ClinVar aggregate classification (germline): Pathogenic. Review status: criteria provided, multiple submitters, no conflicts (2 of 4 stars). 2 submissions from 2 submitters: Pathogenic (2). Last evaluated 2024-05-14.

Conditions:
VPS13A-related neurodegenerative disease. Also called: VPS13A Disease; LEVINE-CRITCHLEY SYNDROME; Choreoacanthocytosis; Chorea-acanthocytosis; Choreaacanthocytosis; ACANTHOCYTOSIS WITH NEUROLOGIC DISORDER. Identifiers: Orphanet 2388, MedGen C0393576, MONDO:0008695, OMIM 200150.

Submissions (2):

Myriad Genetics, Inc.
Classification: Pathogenic for VPS13A-related neurodegenerative disease. Last evaluated: 2024-05-14. Review status: criteria provided, single submitter. Criteria: Myriad Autosomal Dominant, Autosomal Recessive and X-Linked Classification Criteria (2023). Collection method: clinical testing. Allele origin: unknown.
Comment: NM_033305.2(VPS13A):c.1115delA(K372Sfs*2) is expected to be pathogenic in the context of VPS13A disease. This variant is predicted to lead to an abnormal or absent protein product due to the creation of a premature termination codon in VPS13A, a gene where loss-of-function variants are known to be pathogenic. Please note: this variant was assessed in the context of healthy population screening.

Labcorp Genetics (formerly Invitae), Labcorp
Classification: Pathogenic. Last evaluated: 2022-12-21. Review status: criteria provided, single submitter. Criteria: Invitae Variant Classification Sherloc (09022015). Collection method: clinical testing. Allele origin: germline.
Comment: This sequence change creates a premature translational stop signal (p.Lys372Serfs*2) in the VPS13A gene. It is expected to result in an absent or disrupted protein product. Loss-of-function variants in VPS13A are known to be pathogenic (PMID: 12404112, 21598378). The frequency data for this variant in the population databases is considered unreliable, as metrics indicate poor data quality at this position in the gnomAD database. This premature translational stop signal has been observed in individual(s) with choreoacanthocytosis (PMID: 11381253). This variant is also known as 371KfsX1. For these reasons, this variant has been classified as Pathogenic.

Literature cited by the submitters: PubMed 12404112 (cited by Labcorp Genetics (formerly Invitae), Labcorp); PubMed 21598378 (cited by Labcorp Genetics (formerly Invitae), Labcorp); PubMed 11381253 (cited by Labcorp Genetics (formerly Invitae), Labcorp).